The following is an entry in ClinVar:

ClinVar aggregate classification (germline): Conflicting classifications of pathogenicity. Review status: criteria provided, conflicting classifications (1 of 4 stars). 4 submissions from 4 submitters: Uncertain significance (3); Likely benign (1). Last evaluated 2025-09-04.

Conditions:
Hereditary cancer-predisposing syndrome. Also called: Tumor predisposition; Neoplastic Syndromes, Hereditary; Hereditary Cancer Syndrome; Hereditary neoplastic syndrome. Identifiers: Orphanet 140162, MedGen C0027672, MeSH D009386, MONDO:0015356.
Familial cancer of breast. Also called: BREAST CANCER, FAMILIAL; Hereditary breast cancer; hereditary breast carcinoma. Identifiers: Orphanet 227535, MedGen C0346153, MONDO:0016419, OMIM 114480. Disease mechanism: loss of function.

Submissions (4):

Ambry Genetics
Classification: Likely benign for Hereditary cancer-predisposing syndrome. Last evaluated: 2025-09-04. Review status: criteria provided, single submitter. Criteria: Ambry Variant Classification Scheme 2023. Collection method: clinical testing. Allele origin: germline.

Blueprint Genetics
Classification: Uncertain significance. Last evaluated: 2024-02-06. Review status: criteria provided, single submitter. Criteria: ACMG Guidelines, 2015. Collection method: clinical testing. Allele origin: germline.

Labcorp Genetics (formerly Invitae), Labcorp
Classification: Uncertain significance for Familial cancer of breast. Last evaluated: 2023-09-03. Review status: criteria provided, single submitter. Criteria: Invitae Variant Classification Sherloc (09022015). Collection method: clinical testing. Allele origin: germline.
Comment: This variant has not been reported in the literature in individuals affected with PALB2-related conditions. This sequence change replaces alanine, which is neutral and non-polar, with threonine, which is neutral and polar, at codon 579 of the PALB2 protein (p.Ala579Thr). This variant is not present in population databases (gnomAD no frequency). ClinVar contains an entry for this variant (Variation ID: 630485). Advanced modeling of protein sequence and biophysical properties (such as structural, functional, and spatial information, amino acid conservation, physicochemical variation, residue mobility, and thermodynamic stability) performed at Invitae indicates that this missense variant is not expected to disrupt PALB2 protein function. In summary, the available evidence is currently insufficient to determine the role of this variant in disease. Therefore, it has been classified as a Variant of Uncertain Significance.

Color Diagnostics, LLC DBA Color Health
Classification: Uncertain significance for Hereditary cancer-predisposing syndrome. Last evaluated: 2023-05-31. Review status: criteria provided, single submitter. Criteria: ACMG Guidelines, 2015. Collection method: clinical testing. Allele origin: germline.
Comment: This missense variant replaces alanine with threonine at codon 579 of the PALB2 protein. Computational prediction suggests that this variant may not impact protein structure and function (internally defined REVEL score threshold <= 0.5, PMID: 27666373). To our knowledge, functional studies have not been reported for this variant. This variant has not been reported in individuals affected with PALB2-related disorders in the literature. This variant has not been identified in the general population by the Genome Aggregation Database (gnomAD). The available evidence is insufficient to determine the role of this variant in disease conclusively. Therefore, this variant is classified as a Variant of Uncertain Significance.

NM_024675.4(PALB2):c.1735G>A (p.Ala579Thr)

Gene: PALB2 (partner and localizer of BRCA2; minus strand). Cytogenetic location: 16p12.2.
Variant type: single nucleotide variant.
Coding change: c.1735G>A on transcript NM_024675.4 (MANE Select); coding-DNA position 1735, G replaced by A.
Protein change: p.Ala579Thr; replaces alanine 579 with threonine.
Molecular consequence: missense variant.
Genome position (GRCh38, 1-based): chr16:23,630,419, C>T on the plus strand (G>A on the coding strand, the complement: PALB2 is on the minus strand). VCF-style: chr16-23630419-C-T. GRCh37 (hg19) VCF-style: chr16-23641740-C-T.
Other names: short protein forms A579T.
Identifiers: ClinVar variation 630485 (VCV000630485.11), dbSNP rs1567218910, ClinGen allele CA395128318.
Genomic context (GRCh38, chr16:23,630,419, plus strand): 5'-TCAGCATTCCATCCCTATGAAATGGAGCCGTGAAAGCATCATCATCCAAGGATAAATAAG[C>T]ACTATTACTCCAAGAAAGGGAATCCTCTTTTTGATGACGACTTTTCTTCCCTAAAGAAGA-3'
Protein context (NP_078951.2, residues 569-589): KEDSLSWSNS[Ala579Thr]YLSLDDDAFT